The following is an entry in ClinVar:

ClinVar aggregate classification (germline): Uncertain significance (1 of 4 stars; one submission).

Submission:

Labcorp Genetics (formerly Invitae), Labcorp
Classification: Uncertain significance. Last evaluated: 2024-04-09. Review status: criteria provided, single submitter. Criteria: Invitae Variant Classification Sherloc (09022015). Collection method: clinical testing. Allele origin: germline.
Comment: This sequence change replaces histidine, which is basic and polar, with arginine, which is basic and polar, at codon 68 of the ALPK3 protein (p.His68Arg). This variant is present in population databases (no rsID available, gnomAD 0.0009%). This variant has not been reported in the literature in individuals affected with ALPK3-related conditions. Algorithms developed to predict the effect of missense changes on protein structure and function output the following: SIFT: "Not Available"; PolyPhen-2: "Benign"; Align-GVGD: "Not Available". The arginine amino acid residue is found in multiple mammalian species, which suggests that this missense change does not adversely affect protein function. In summary, the available evidence is currently insufficient to determine the role of this variant in disease. Therefore, it has been classified as a Variant of Uncertain Significance.

NC_000015.10:g.84817049A>G

Gene: ALPK3 (alpha kinase 3; plus strand). Cytogenetic location: 15q25.3.
Variant type: single nucleotide variant.
Genome position: GRCh38 VCF-style: chr15-84817049-A-G. GRCh37 (hg19) VCF-style: chr15-85360280-A-G.
Identifiers: ClinVar variation 3649282 (VCV003649282.2).